The following is an entry in ClinVar:

ClinVar aggregate classification (germline): Uncertain significance (1 of 4 stars; one submission).

Conditions:
Neurofibromatosis, type 1 (NF1). Also called: VON RECKLINGHAUSEN DISEASE; Peripheral type neurofibromatosis; NEUROFIBROMATOSIS, TYPE I, SOMATIC; Neurofibromatosis, type I. Identifiers: Orphanet 636, MedGen C0027831, MONDO:0018975, OMIM 162200. Disease mechanism: loss of function.

Submission:

Labcorp Genetics (formerly Invitae), Labcorp
Classification: Uncertain significance for Neurofibromatosis, type 1. Last evaluated: 2024-07-29. Review status: criteria provided, single submitter. Criteria: Invitae Variant Classification Sherloc (09022015). Collection method: clinical testing. Allele origin: germline.
Comment: This sequence change replaces glutamine, which is neutral and polar, with arginine, which is basic and polar, at codon 2676 of the NF1 protein (p.Gln2676Arg). This variant is not present in population databases (gnomAD no frequency). This variant has not been reported in the literature in individuals affected with NF1-related conditions. Advanced modeling of protein sequence and biophysical properties (such as structural, functional, and spatial information, amino acid conservation, physicochemical variation, residue mobility, and thermodynamic stability) has been performed at Invitae for this missense variant, however the output from this modeling did not meet the statistical confidence thresholds required to predict the impact of this variant on NF1 protein function. In summary, the available evidence is currently insufficient to determine the role of this variant in disease. Therefore, it has been classified as a Variant of Uncertain Significance.

NM_001042492.3(NF1):c.8090A>G (p.Gln2697Arg)

Gene: NF1 (neurofibromin 1; plus strand). Cytogenetic location: 17q11.2.
Variant type: single nucleotide variant.
Coding change: c.8090A>G on transcript NM_001042492.3 (MANE Select); coding-DNA position 8090, A replaced by G.
Protein change: p.Gln2697Arg; replaces glutamine 2697 with arginine.
Molecular consequence: missense variant.
Genome position (GRCh38, 1-based): chr17:31,358,599, A>G. VCF-style: chr17-31358599-A-G. GRCh37 (hg19) VCF-style: chr17-29685617-A-G.
Other names: c.8027A>G, p.Gln2676Arg (NM_000267.4); short protein forms Q2676R, Q2697R.
Identifiers: ClinVar variation 3634610 (VCV003634610.2).